The following is an entry in ClinVar:

ClinVar aggregate classification (germline): Benign. Review status: criteria provided, multiple submitters, no conflicts (2 of 4 stars). 5 submissions from 5 submitters: Benign (4). 1 of the submissions does not count toward it. Last evaluated 2026-02-04.

Conditions:
Gamma-aminobutyric acid transaminase deficiency (GABATD). Also called: GABA aminotransaminase deficiency; GABA transaminase deficiency; Gamma aminobutyrate transaminase deficiency; 4 alpha aminobutyrate transaminase deficiency. Identifiers: Orphanet 2066, MedGen C0342708, MONDO:0013166, OMIM 613163.

Allele frequency attached by ClinVar (database versions not stated): 1000 Genomes Project 30x 0.49563; 1000 Genomes Project 0.50080; ESP Exome Variant Server 0.51401; TOPMed 0.52558; gnomAD 0.53047 and 0.53362; ExAC 0.58413; gnomAD exomes 0.59118.
gnomAD v4.1: 972,537 of 1,611,140 alleles (60%); highest among the groups gnomAD compares: Admixed American, 66%; 297,905 homozygotes.

Submissions (6):

Labcorp Genetics (formerly Invitae), Labcorp
Classification: Benign for Gamma-aminobutyric acid transaminase deficiency. Last evaluated: 2026-02-04. Review status: criteria provided, single submitter. Criteria: Invitae Variant Classification Sherloc (09022015). Collection method: clinical testing. Allele origin: germline.

Illumina Laboratory Services, Illumina
Classification: Benign for Gamma-aminobutyric acid transaminase deficiency. Last evaluated: 2018-01-12. Review status: criteria provided, single submitter. Criteria: ICSL Variant Classification Criteria 13 December 2019. Collection method: clinical testing. Allele origin: germline.
Comment: This variant was observed in the ICSL laboratory as part of a predisposition screen in an ostensibly healthy population. It had not been previously curated by ICSL or reported in the Human Gene Mutation Database (HGMD: prior to June 1st, 2018), and was therefore a candidate for classification through an automated scoring system. Utilizing variant allele frequency, disease prevalence and penetrance estimates, and inheritance mode, an automated score was calculated to assess if this variant is too frequent to cause the disease. Based on the score and internal cut-off values, a variant classified as benign is not then subjected to further curation. The score for this variant resulted in a classification of benign for this disease.

Athena Diagnostics
Classification: Benign. Last evaluated: 2017-04-20. Review status: criteria provided, single submitter. Criteria: Athena Diagnostics Criteria. Collection method: clinical testing. Allele origin: germline.

Breakthrough Genomics
Classification: Benign. Review status: criteria provided, single submitter. Criteria: ACMG Guidelines, 2015. Collection method: not provided. Allele origin: germline. Inheritance: Autosomal recessive inheritance. Affected: yes.

Mayo Clinic Laboratories, Mayo Clinic
Classification: Benign. Last evaluated: 2016-02-19. Review status: no assertion criteria provided. Collection method: clinical testing. Allele origin: unknown. Not counted in ClinVar's aggregate classification.

Dr. Peter K. Rogan Lab, Western University
No classification provided (evidence only). Condition: Familial cancer of breast. Review status: no classification provided. Collection method: in vitro. Allele origin: not applicable. Functional consequence: retained intron. Not counted in ClinVar's aggregate classification.

NM_020686.6(ABAT):c.167A>G (p.Gln56Arg)

Gene: ABAT (4-aminobutyrate aminotransferase; plus strand). Cytogenetic location: 16p13.2.
Variant type: single nucleotide variant.
Coding change: c.167A>G on transcript NM_020686.6 (MANE Select); coding-DNA position 167, A replaced by G.
Protein change: p.Gln56Arg; replaces glutamine 56 with arginine.
Molecular consequence: missense variant. On other transcripts: intron variant (2).
Genome position (GRCh38, 1-based): chr16:8,746,097, A>G. VCF-style: chr16-8746097-A-G. GRCh37 (hg19) VCF-style: chr16-8839954-A-G.
Other names: c.167A>G, p.Gln56Arg (NM_000663.5, NM_001127448.2, NM_001386600.1 and 11 more transcripts); c.32A>G, p.Gln11Arg (NM_001386611.1, NM_001386612.1, NM_001386613.1); c.71-2011A>G (NM_001386610.1); c.70+10288A>G (NM_001386614.1); short protein forms Q56R, Q11R.
Identifiers: ClinVar variation 320841 (VCV000320841.20), dbSNP rs1731017, ClinGen allele CA7892974.